The following is an entry in ClinVar:

NM_023110.3(FGFR1):c.1471C>T (p.Gln491Ter)

Gene: FGFR1 (fibroblast growth factor receptor 1; minus strand). Cytogenetic location: 8p11.23.
Variant type: single nucleotide variant.
Coding change: c.1471C>T on transcript NM_023110.3 (MANE Select); coding-DNA position 1471, C replaced by T.
Protein change: p.Gln491Ter; replaces glutamine 491 with a stop codon.
Molecular consequence: nonsense.
Genome position (GRCh38, 1-based): chr8:38,417,951, G>A on the plus strand (C>T on the coding strand, the complement: FGFR1 is on the minus strand). VCF-style: chr8-38417951-G-A. GRCh37 (hg19) VCF-style: chr8-38275469-G-A.
Other names: c.1465C>T, p.Gln489Ter (NM_001174063.2, NM_001174065.2, NM_001354367.2 and 1 more transcripts); c.1441C>T, p.Gln481Ter (NM_001174064.2); c.1204C>T, p.Gln402Ter (NM_001174066.2, NM_023105.3); c.1564C>T, p.Gln522Ter (NM_001174067.2); c.1192C>T, p.Gln398Ter (NM_001354368.2); c.1459C>T, p.Gln487Ter (NM_001354369.2); c.1198C>T, p.Gln400Ter (NM_001354370.2, NM_023106.3); short protein forms Q398*, Q400*, Q402*, Q481*, Q487*, Q489*, Q491*, Q522*.
Identifiers: ClinVar variation 1333244 (VCV001333244.1), dbSNP rs2150655456, ClinGen allele CA370733079.
Genomic context (GRCh38, chr8:38,417,951, plus strand): 5'-CTTTGGTCACACGGTTGGGTTTGTCCTTGTCCAGCCCGATAGCCTCTGCCAACACCACCT[G>A]CCCAAAGCAGCCCTCTCCCAGGGGTTTGCCTAAGACCAGTCTTTCGGGGGAAACAGAGAG-3'

ClinVar aggregate classification (germline): Likely pathogenic (1 of 4 stars; one submission).

Conditions:
Hypogonadotropic hypogonadism 2 with or without anosmia (HH2). Also called: HYPOGONADOTROPIC HYPOGONADISM 2 WITHOUT ANOSMIA; HYPOGONADOTROPIC HYPOGONADISM 2 WITHOUT ANOSMIA, SUSCEPTIBILITY TO; HYPOGONADOTROPIC HYPOGONADISM 2 WITH OR WITHOUT ANOSMIA, SUSCEPTIBILITY TO; FGFR1-Related GnRH Deficiency (Kallmann Syndrome 2). Identifiers: Orphanet 478, MedGen C1563720, MONDO:0007844, OMIM 147950. Disease mechanism: loss of function.

Submission:

3billion
Classification: Likely pathogenic for Hypogonadotropic hypogonadism 2 with or without anosmia. Last evaluated: 2022-01-03. Review status: criteria provided, single submitter. Criteria: ACMG Guidelines, 2015. Collection method: clinical testing. Allele origin: germline. Affected: yes. Observed: 1 heterozygote.
Comment: Stop-gained (nonsense): predicted to result in a loss or disruption of normal protein function through nonsense-mediated decay (NMD) or protein truncation. Multiple pathogenic variants are reported downstream of the variant (PVS1_VS). It is not observed in the gnomAD v2.1.1 dataset (PM2_M). Therefore, this variant is classified as likely pathogenic according to the recommendation of ACMG/AMP guideline.